The following is an entry in ClinVar:

ClinVar aggregate classification (germline): Uncertain significance. Review status: criteria provided, multiple submitters, no conflicts (2 of 4 stars). 4 submissions from 4 submitters: Uncertain significance (4). Last evaluated 2025-12-10.

Conditions:
Myopathy, proximal, and ophthalmoplegia (CMYO6). Also called: CONGENITAL MYOPATHY 6 WITH OPHTHALMOPLEGIA; MYOPATHY WITH CONGENITAL JOINT CONTRACTURES, OPHTHALMOPLEGIA, AND RIMMED VACUOLES; INCLUSION BODY MYOPATHY 3, AUTOSOMAL DOMINANT. Identifiers: Orphanet 363677, Orphanet 79091, MedGen C1854106, MONDO:0011577, OMIM 605637.

Allele frequency attached by ClinVar (database versions not stated): TOPMed 0.00038; ESP Exome Variant Server 0.00046; gnomAD 0.00048; 1000 Genomes Project 30x 0.00078; 1000 Genomes Project 0.00080.
gnomAD v4.1: 226 of 1,614,222 alleles (0.014%); highest among the groups gnomAD compares: African/African-American, 0.16%; no homozygotes.

Submissions (4):

Labcorp Genetics (formerly Invitae), Labcorp
Classification: Uncertain significance for Myopathy, proximal, and ophthalmoplegia. Last evaluated: 2025-12-10. Review status: criteria provided, single submitter. Criteria: Invitae Variant Classification Sherloc (09022015). Collection method: clinical testing. Allele origin: germline.
Comment: This sequence change replaces arginine, which is basic and polar, with glutamine, which is neutral and polar, at codon 1668 of the MYH2 protein (p.Arg1668Gln). This variant is present in population databases (rs143022667, gnomAD 0.2%). This variant has not been reported in the literature in individuals affected with MYH2-related conditions. ClinVar contains an entry for this variant (Variation ID: 499174). Invitae Evidence Modeling of protein sequence and biophysical properties (such as structural, functional, and spatial information, amino acid conservation, physicochemical variation, residue mobility, and thermodynamic stability) indicates that this missense variant is not expected to disrupt MYH2 protein function with a negative predictive value of 80%. In summary, the available evidence is currently insufficient to determine the role of this variant in disease. Therefore, it has been classified as a Variant of Uncertain Significance.

GeneDx
Classification: Uncertain significance. Last evaluated: 2025-06-24. Review status: criteria provided, single submitter. Criteria: GeneDx Variant Classification Process June 2021. Collection method: clinical testing. Allele origin: germline. Affected: yes.
Comment: In silico analysis suggests that this missense variant does not alter protein structure/function; Has not been previously published as pathogenic or benign to our knowledge

Revvity Omics, Revvity
Classification: Uncertain significance for Myopathy, proximal, and ophthalmoplegia. Last evaluated: 2023-04-04. Review status: criteria provided, single submitter. Criteria: ACMG Guidelines, 2015. Collection method: clinical testing. Allele origin: germline.

Eurofins Ntd Llc (ga)
Classification: Uncertain significance. Last evaluated: 2017-01-06. Review status: criteria provided, single submitter. Criteria: EGL Classification Definitions 2015. Collection method: clinical testing. Allele origin: germline. Observed: 1 variant allele, 1 heterozygote.

NM_017534.6(MYH2):c.5003G>A (p.Arg1668Gln)

Genes: MYHAS (myosin heavy chain gene cluster antisense RNA; plus strand), MYH2 (myosin heavy chain 2; minus strand), LOC126862500 (BRD4-independent group 4 enhancer GRCh37_chr17:10427829-10429028; plus strand). Cytogenetic location: 17p13.1.
Variant type: single nucleotide variant.
Coding change: c.5003G>A on transcript NM_017534.6 (MANE Select); coding-DNA position 5003, G replaced by A.
Protein change: p.Arg1668Gln; replaces arginine 1668 with glutamine.
Molecular consequence: missense variant.
Genome position (GRCh38, 1-based): chr17:10,524,638, C>T on the plus strand (G>A on the coding strand, the complement: MYH2 is on the minus strand). VCF-style: chr17-10524638-C-T. GRCh37 (hg19) VCF-style: chr17-10427955-C-T.
Other names: c.5003G>A, p.Arg1668Gln (NM_001100112.2); short protein forms R1668Q.
Identifiers: ClinVar variation 499174 (VCV000499174.19), dbSNP rs143022667, ClinGen allele CA8390510.